The following is an entry in ClinVar:

ClinVar aggregate classification (germline): Pathogenic/Likely pathogenic. Review status: criteria provided, multiple submitters, no conflicts (2 of 4 stars). 2 submissions from 2 submitters: Pathogenic (1); Likely pathogenic (1). Last evaluated 2025-01-18.

Conditions:
Wilson disease (WND). Also called: Wilson's disease. Identifiers: Orphanet 905, MedGen C0019202, MONDO:0010200, OMIM 277900. Disease mechanism: loss of function.

Allele frequency attached by ClinVar (database versions not stated): gnomAD exomes below 0.00001.
gnomAD v4.1: 4 of 1,614,082 alleles (0.00025%); highest among the groups gnomAD compares: Non-Finnish European, 0.00034%; no homozygotes.

Submissions (2):

Labcorp Genetics (formerly Invitae), Labcorp
Classification: Pathogenic for Wilson disease. Last evaluated: 2025-01-18. Review status: criteria provided, single submitter. Criteria: Invitae Variant Classification Sherloc (09022015). Collection method: clinical testing. Allele origin: germline.
Comment: This sequence change creates a premature translational stop signal (p.Gln383*) in the ATP7B gene. It is expected to result in an absent or disrupted protein product. Loss-of-function variants in ATP7B are known to be pathogenic (PMID: 10441329, 16283883). This variant is not present in population databases (gnomAD no frequency). This variant has not been reported in the literature in individuals affected with ATP7B-related conditions. ClinVar contains an entry for this variant (Variation ID: 1073036). For these reasons, this variant has been classified as Pathogenic.

Laboratory for Molecular Medicine, Mass General Brigham Personalized Medicine
Classification: Likely pathogenic for Wilson disease. Last evaluated: 2020-06-11. Review status: criteria provided, single submitter. Criteria: ACMG Guidelines, 2015. Collection method: clinical testing. Allele origin: germline.
Comment: The p.Gln383X variant in ATP7B has not been previously reported in individuals with Wilson disease and was absent from large pouplation studies. This nonsense variant leads to a premature termination codon at position 383, which is predicted to lead to a truncated or absent protein. Loss of function of the ATP7B gene is an established disease mechanism in autosomal recessive Wilson disease. In summary, although additional studies are required to fully establish its clinical significance, this variant meets criteria to be classified as likely pathogenic for autosomal recessive Wilson disease. ACMG/AMP Criteria applied: PVS1, PM2.

Literature cited by the submitters: PubMed 10441329 (cited by Labcorp Genetics (formerly Invitae), Labcorp); PubMed 16283883 (cited by Labcorp Genetics (formerly Invitae), Labcorp).

NM_000053.4(ATP7B):c.1147C>T (p.Gln383Ter)

Gene: ATP7B (ATPase copper transporting beta; minus strand). Cytogenetic location: 13q14.3.
Variant type: single nucleotide variant.
Coding change: c.1147C>T on transcript NM_000053.4 (MANE Select); coding-DNA position 1147, C replaced by T.
Protein change: p.Gln383Ter; replaces glutamine 383 with a stop codon.
Molecular consequence: nonsense.
Genome position (GRCh38, 1-based): chr13:51,974,073, G>A on the plus strand (C>T on the coding strand, the complement: ATP7B is on the minus strand). VCF-style: chr13-51974073-G-A. GRCh37 (hg19) VCF-style: chr13-52548209-G-A.
Other names: c.1147C>T, p.Gln383Ter (NM_001005918.3, NM_001330578.2, NM_001330579.2); c.814C>T, p.Gln272Ter (NM_001243182.2); short protein forms Q272*, Q383*.
Identifiers: ClinVar variation 1073036 (VCV001073036.8), dbSNP rs2140071850, ClinGen allele CA388038726.